The following is an entry in ClinVar:

ClinVar aggregate classification (germline): Uncertain significance (1 of 4 stars; one submission).

Submission:

Labcorp Genetics (formerly Invitae), Labcorp
Classification: Uncertain significance. Last evaluated: 2024-11-12. Review status: criteria provided, single submitter. Criteria: Invitae Variant Classification Sherloc (09022015). Collection method: clinical testing. Allele origin: germline.
Comment: This sequence change replaces threonine, which is neutral and polar, with alanine, which is neutral and non-polar, at codon 3104 of the HMCN1 protein (p.Thr3104Ala). This variant is not present in population databases (gnomAD no frequency). This variant has not been reported in the literature in individuals affected with HMCN1-related conditions. An algorithm developed to predict the effect of missense changes on protein structure and function outputs the following: PolyPhen-2: "Benign". The alanine amino acid residue is found in multiple mammalian species, which suggests that this missense change does not adversely affect protein function. In summary, the available evidence is currently insufficient to determine the role of this variant in disease. Therefore, it has been classified as a Variant of Uncertain Significance.

NM_031935.3(HMCN1):c.9310A>G (p.Thr3104Ala)

Gene: HMCN1 (hemicentin 1; plus strand). Cytogenetic location: 1q31.1.
Variant type: single nucleotide variant.
Coding change: c.9310A>G on transcript NM_031935.3 (MANE Select); coding-DNA position 9310, A replaced by G.
Protein change: p.Thr3104Ala; replaces threonine 3104 with alanine.
Molecular consequence: missense variant.
Genome position (GRCh38, 1-based): chr1:186,087,592, A>G. VCF-style: chr1-186087592-A-G. GRCh37 (hg19) VCF-style: chr1-186056724-A-G.
Other names: short protein forms T3104A.
Identifiers: ClinVar variation 3725067 (VCV003725067.2).